The following is an entry in ClinVar:

ClinVar aggregate classification (germline): Uncertain significance (1 of 4 stars; one submission).

Conditions:
Catecholaminergic polymorphic ventricular tachycardia 1. Also called: VENTRICULAR TACHYCARDIA, CATECHOLAMINERGIC POLYMORPHIC, 1, WITH OR WITHOUT ATRIAL DYSFUNCTION AND/OR DILATED CARDIOMYOPATHY; RYR2-Related Catecholaminergic Polymorphic Ventricular Tachycardia; VENTRICULAR TACHYCARDIA, STRESS-INDUCED POLYMORPHIC 1. Identifiers: Orphanet 3286, MedGen C1631597, MONDO:0011484, OMIM 604772.

Submission:

Labcorp Genetics (formerly Invitae), Labcorp
Classification: Uncertain significance for Catecholaminergic polymorphic ventricular tachycardia 1. Last evaluated: 2017-12-04. Review status: criteria provided, single submitter. Criteria: Invitae Variant Classification Sherloc (09022015). Collection method: clinical testing. Allele origin: germline.
Comment: Experimental studies and prediction algorithms are not available for this variant, and the functional significance of the deleted amino acid(s) is currently unknown. This variant has not been reported in the literature in individuals with RYR2-related disease. This variant is not present in population databases (ExAC no frequency). This variant, c.4195_4200delACAAGC, results in the deletion of 2 amino acid(s) of the RYR2 protein (p.Thr1399_Ser1400del), but otherwise preserves the integrity of the reading frame. In summary, the available evidence is currently insufficient to determine the role of this variant in disease. Therefore, it has been classified as a Variant of Uncertain Significance.

NM_001035.3(RYR2):c.4195_4200del (p.Thr1399_Ser1400del)

Gene: RYR2 (ryanodine receptor 2; plus strand). Cytogenetic location: 1q43.
Variant type: Deletion.
Coding change: c.4195_4200del on transcript NM_001035.3 (MANE Select); coding-DNA positions 4195 to 4200, 6 bases deleted (ACAAGC; older notation c.4195_4200delACAAGC).
Protein change: p.Thr1399_Ser1400del.
Molecular consequence: inframe deletion.
Genome position (GRCh38, 1-based): chr1:237,591,773-237,591,778, ACAAGC deleted; deleting any 6 consecutive bases within chr1:237,591,770-237,591,778 gives the same sequence; the c. name uses the placement nearest the transcript's 3' end. VCF-style (leftmost placement, unchanged base first): chr1-237591769-CAGCACA-C. GRCh37 (hg19) VCF-style: chr1-237755069-CAGCACA-C.
Other names: c.4195_4200del, p.Thr1399_Ser1400del (LRG_402t1).
Identifiers: ClinVar variation 532362 (VCV000532362.10), dbSNP rs1553515428, ClinGen allele CA658795630.